The following is an entry in ClinVar:

ClinVar aggregate classification (germline): Uncertain significance. Review status: criteria provided, multiple submitters, no conflicts (2 of 4 stars). 2 submissions from 2 submitters: Uncertain significance (2). Last evaluated 2026-01-12.

Conditions:
SLC12A2-related disorder. Also called: SLC12A2-related disorders; SLC12A2-related condition.

Submissions (2):

PreventionGenetics, part of Exact Sciences
Classification: Uncertain significance for SLC12A2-related condition. Last evaluated: 2026-01-12. Review status: criteria provided, single submitter. Criteria: ACMG Guidelines, 2015. Collection method: clinical testing. Allele origin: germline.
Comment: The SLC12A2 c.300_308del9 variant is predicted to result in an in-frame deletion (p.Ala105_Ala107del). To our knowledge, this variant has not been reported in the literature. This variant is reported in 0.12% of alleles in individuals of Latino descent in gnomAD. Although we suspect that this variant may be benign, at this time, the clinical significance of this variant is uncertain due to the absence of conclusive functional and genetic evidence.

Labcorp Genetics (formerly Invitae), Labcorp
Classification: Uncertain significance. Last evaluated: 2026-01-06. Review status: criteria provided, single submitter. Criteria: Invitae Variant Classification Sherloc (09022015). Collection method: clinical testing. Allele origin: germline.
Comment: This variant, c.300_308del, results in the deletion of 3 amino acid(s) of the SLC12A2 protein (p.Ala105_Ala107del), but otherwise preserves the integrity of the reading frame. The frequency data for this variant in the population databases is considered unreliable, as metrics indicate poor data quality at this position in the gnomAD database. This variant has not been reported in the literature in individuals affected with SLC12A2-related conditions. Experimental studies and prediction algorithms are not available or were not evaluated, and the functional significance of this variant is currently unknown. In summary, the available evidence is currently insufficient to determine the role of this variant in disease. Therefore, it has been classified as a Variant of Uncertain Significance.

NM_001046.3(SLC12A2):c.288GGC[4] (p.Ala105_Ala107del)

Genes: SLC12A2 (solute carrier family 12 member 2; plus strand), LOC129994526 (ATAC-STARR-seq lymphoblastoid silent region 16295; plus strand). Cytogenetic location: 5q23.3.
Variant type: Microsatellite.
Coding change: c.288GGC[4] on transcript NM_001046.3 (MANE Select); four copies in a row of the 3-base unit GGC starting at c.288; the reference has seven copies in a row; three copies, 9 bases deleted.
Protein change: p.Ala105_Ala107del.
Molecular consequence: inframe deletion. On other transcripts: non-coding transcript variant (1).
Genome position (GRCh38, 1-based): chr5:128,084,254-128,084,262, GGCGGCGGC deleted; deleting any 9 consecutive bases within chr5:128,084,240-128,084,262 gives the same sequence; the position shown is the placement nearest the transcript's 3' end. VCF-style (leftmost placement, unchanged base first): chr5-128084239-TGCGGCGGCG-T. GRCh37 (hg19) VCF-style: chr5-127419931-TGCGGCGGCG-T.
Other names: c.288GGC[4], p.Ala105_Ala107del (NM_001256461.2); c.300_308del9 (NM_001046.2).
Identifiers: ClinVar variation 2078562 (VCV002078562.5), dbSNP rs746633185, ClinGen allele CA3392759.